The following is an entry in ClinVar:

ClinVar aggregate classification (germline): Conflicting classifications of pathogenicity. Review status: criteria provided, conflicting classifications (1 of 4 stars). 11 submissions from 11 submitters: Uncertain significance (2); Likely benign (6). 3 of the submissions do not count toward it. Last evaluated 2026-04-06.

Conditions:
Hereditary cancer-predisposing syndrome. Also called: Hereditary neoplastic syndrome; Neoplastic Syndromes, Hereditary; Hereditary Cancer Syndrome; Tumor predisposition. Identifiers: Orphanet 140162, MedGen C0027672, MeSH D009386, MONDO:0015356.
Hereditary breast ovarian cancer syndrome. Also called: Hereditary breast and ovarian cancer syndrome (HBOC); Breast and ovarian cancer; Hereditary breast and ovarian cancer syndrome; BRCA1- and BRCA2-Associated Hereditary Breast and Ovarian Cancer; Hereditary breast and/or ovarian cancer syndrome; Hereditary breast and ovarian cancer. Identifiers: Orphanet 145, MedGen C0677776, MeSH D061325, MONDO:0003582. Disease mechanism: loss of function.
Breast-ovarian cancer, familial, susceptibility to, 2 (BROVCA2). Also called: BRCA2 Hereditary Breast and Ovarian Cancer. Identifiers: Orphanet 145, MedGen C2675520, MONDO:0012933, OMIM 612555. Disease mechanism: loss of function.

Allele frequency attached by ClinVar (database versions not stated): gnomAD exomes below 0.00001; gnomAD 0.00001; TOPMed 0.00003.
gnomAD v4.1: 4 of 1,612,540 alleles (0.00025%); highest among the groups gnomAD compares: African/African-American, 0.004%; no homozygotes.

Submissions (11):

Women's Health and Genetics/Laboratory Corporation of America, LabCorp
Classification: Uncertain significance. Last evaluated: 2026-04-06. Review status: criteria provided, single submitter. Criteria: LabCorp Variant Classification Summary - May 2015. Collection method: clinical testing. Allele origin: germline.
Comment: Variant summary: BRCA2 c.5344C>A (p.Gln1782Lys) results in a conservative amino acid change in the encoded protein sequence. Algorithms developed to predict the effect of missense changes on protein structure and function all suggest that this variant is likely to be tolerated. The variant allele was found at a frequency of 4e-06 in 250394 control chromosomes. The available data on variant occurrences in the general population are insufficient to allow any conclusion about variant significance. c.5344C>A has been reported in the literature in at least 1 individual affected with breast cancer (Claus_2005, Vietri_2020). These report(s) do not provide unequivocal conclusions about association of the variant with Hereditary Breast and Ovarian Cancer. Co-occurrence with another pathogenic BRCA2 variant, c.4889C>G (p.Ser1630X), has been reported, providing supporting evidence for a benign role (example, Claus_2005, Vietri_2020). To our knowledge, no experimental evidence demonstrating an impact on protein function has been reported. The following publications have been ascertained in the context of this evaluation (PMID: 15728167, 20730485, 33287145). ClinVar contains an entry for this variant (Variation ID: 51841). Based on the evidence outlined above, the variant was classified as VUS-possibly benign.

Labcorp Genetics (formerly Invitae), Labcorp
Classification: Likely benign for Hereditary breast ovarian cancer syndrome. Last evaluated: 2024-11-22. Review status: criteria provided, single submitter. Criteria: Invitae Variant Classification Sherloc (09022015). Collection method: clinical testing. Allele origin: germline.

All of Us Research Program, National Institutes of Health
Classification: Likely benign for Breast-ovarian cancer, familial, susceptibility to, 2. Last evaluated: 2023-11-20. Review status: criteria provided, single submitter. Criteria: ACMG Guidelines, 2015. Collection method: clinical testing. Allele origin: germline. Inheritance: Autosomal dominant inheritance. Observed: 3 variant alleles, 3 heterozygotes.
Comment: This study involves interpretation of variants in research participants for the purpose of population health screening. Participant phenotype was not available at the time of variant classification. Additional details can be found in publication PMID: 35346344, PMCID: PMC8962531

University of Washington Department of Laboratory Medicine, University of Washington
Classification: Likely benign for Hereditary cancer-predisposing syndrome. Last evaluated: 2023-03-23. Review status: criteria provided, single submitter. Criteria: Dines et al. (Genet Med. 2020). Collection method: curation. Allele origin: germline.
Comment: Missense variant in a coldspot region where missense variants are very unlikely to be pathogenic (PMID:31911673).

BRCA2 exon 11 coldspot. Reclassification based on statistical prior probability.

Quest Diagnostics Nichols Institute San Juan Capistrano
Classification: Uncertain significance. Last evaluated: 2020-02-20. Review status: criteria provided, single submitter. Criteria: Quest Diagnostics criteria. Collection method: clinical testing. Allele origin: unknown.

GeneDx
Classification: Likely benign. Last evaluated: 2019-04-30. Review status: criteria provided, single submitter. Criteria: GeneDx Variant Classification Process June 2021. Collection method: clinical testing. Allele origin: germline. Affected: yes.
Comment: Not observed at a significant frequency in large population cohorts (Lek et al., 2016); This variant is associated with the following publications: (PMID: 20730485, 15728167)

Color Diagnostics, LLC DBA Color Health
Classification: Likely benign for Hereditary cancer-predisposing syndrome. Last evaluated: 2018-10-19. Review status: criteria provided, single submitter. Criteria: ACMG Guidelines, 2015. Collection method: clinical testing. Allele origin: germline.

Ambry Genetics
Classification: Likely benign for Hereditary cancer-predisposing syndrome. Last evaluated: 2018-09-13. Review status: criteria provided, single submitter. Criteria: Ambry Variant Classification Scheme 2023. Collection method: clinical testing. Allele origin: germline.

Counsyl
Classification: Uncertain significance for Breast-ovarian cancer, familial, susceptibility to, 2. Last evaluated: 2016-08-19. Review status: no assertion criteria provided. Collection method: clinical testing. Allele origin: unknown. Not counted in ClinVar's aggregate classification.

Breast Cancer Information Core (BIC) (BRCA2)
Classification: Uncertain significance for Breast-ovarian cancer, familial 2. Last evaluated: 2004-02-20. Review status: no assertion criteria provided. Collection method: clinical testing. Allele origin: germline. Affected: yes. Observed: 2 variant alleles. Not counted in ClinVar's aggregate classification.

Department of Pathology and Laboratory Medicine, Sinai Health System
Classification: Likely benign for Breast-ovarian cancer, familial, susceptibility to, 2. Review status: no assertion criteria provided. Collection method: clinical testing. Allele origin: unknown. Affected: yes. Study: The Canadian Open Genetics Repository (COGR). Not counted in ClinVar's aggregate classification.
Comment: The BRCA2 p.Gln1782Lys variant was identified in literature in a patient with ductal carcinoma in situ, with a co-occurring, pathogenic BRCA2 variant: p.S1630X (Claus 2005). The variant was also identified in dbSNP (ID: rs80358757) as "With Pathogenic, Uncertain significance allele", ClinVar (classified as uncertain significance by Invitae, Counsyl and BIC; and as likely benign by Ambry Genetics and Gene Dx), and in UMD-LSDB (2x as unclassified variant). The variant was not identified in LOVD 3.0. The variant was identified in control databases in 2 of 276110 chromosomes at a frequency of 0.000007 (Genome Aggregation Database Feb 27, 2017). The variant was observed in the African population in 2 of 23954 chromosomes (freq: 0.00008), while the variant was not observed in the Other, Latino, European, Ashkenazi Jewish, East Asian, Finnish, or South Asian populations. The p.Gln1782 residue is not conserved in mammals and computational analyses (PolyPhen-2, SIFT, AlignGVGD, BLOSUM, MutationTaster) do not suggest a high likelihood of impact to the protein; however, this information is not predictive enough to rule out pathogenicity. The variant occurs outside of the splicing consensus sequence and in silico or computational prediction software programs (SpliceSiteFinder, MaxEntScan, NNSPLICE, GeneSplicer) do not predict a difference in splicing. In summary, based on the above information, the clinical significance of this variant cannot be determined with certainty at this time although we would lean towards a more benign role for this variant. This variant is classified as likely benign.

Literature cited by the submitters: PubMed 15728167 (cited by 3 submitters); PubMed 20730485 (cited by Women's Health and Genetics/Laboratory Corporation of America, LabCorp); PubMed 33287145 (cited by Women's Health and Genetics/Laboratory Corporation of America, LabCorp).

NM_000059.4(BRCA2):c.5344C>A (p.Gln1782Lys)

Gene: BRCA2 (BRCA2 DNA repair associated; plus strand). Cytogenetic location: 13q13.1.
Variant type: single nucleotide variant.
Coding change: c.5344C>A on transcript NM_000059.4 (MANE Select); coding-DNA position 5344, C replaced by A.
Protein change: p.Gln1782Lys; replaces glutamine 1782 with lysine.
Molecular consequence: missense variant.
Genome position (GRCh38, 1-based): chr13:32,339,699, C>A. VCF-style: chr13-32339699-C-A. GRCh37 (hg19) VCF-style: chr13-32913836-C-A.
Other names: short protein forms Q1782K.
Identifiers: ClinVar variation 51841 (VCV000051841.28), dbSNP rs80358757, ClinGen allele CA022062.